The following is an entry in ClinVar:

ClinVar aggregate classification (germline): Conflicting classifications of pathogenicity. Review status: criteria provided, conflicting classifications (1 of 4 stars). 4 submissions from 4 submitters: Uncertain significance (3); Likely benign (1). Last evaluated 2024-12-31.

Conditions:
Brittle cornea syndrome 1 (BCS1). Also called: CORNEAL FRAGILITY, KERATOGLOBUS, BLUE SCLERAE, JOINT HYPEREXTENSIBILITY; EDS6B; FRAGILITAS OCULI WITH JOINT HYPEREXTENSIBILITY; Corneal fragility keratoglobus, blue sclerae AND joint hypermobility; DYSGENESIS MESODERMALIS CORNEAE ET SCLERAE. Identifiers: Orphanet 90354, MedGen C0268344, MONDO:0024543, OMIM 229200.
Cardiovascular phenotype. Identifiers: MedGen CN230736.

gnomAD v4.1: 40 of 1,549,476 alleles (0.0026%); highest among the groups gnomAD compares: East Asian, 0.012%; no homozygotes.

Submissions (4):

GeneDx
Classification: Uncertain significance. Last evaluated: 2024-12-31. Review status: criteria provided, single submitter. Criteria: GeneDx Variant Classification Process June 2021. Collection method: clinical testing. Allele origin: germline. Affected: yes.
Comment: Not observed at significant frequency in large population cohorts (gnomAD); In silico analysis indicates that this missense variant does not alter protein structure/function; Has not been previously published as pathogenic or benign to our knowledge

Ambry Genetics
Classification: Likely benign for Cardiovascular phenotype. Last evaluated: 2024-03-21. Review status: criteria provided, single submitter. Criteria: Ambry Variant Classification Scheme 2023. Collection method: clinical testing. Allele origin: germline.

Fulgent Genetics
Classification: Uncertain significance for Brittle cornea syndrome 1. Last evaluated: 2022-03-04. Review status: criteria provided, single submitter. Criteria: ACMG Guidelines, 2015. Collection method: clinical testing. Allele origin: unknown.

Labcorp Genetics (formerly Invitae), Labcorp
Classification: Uncertain significance. Last evaluated: 2022-03-02. Review status: criteria provided, single submitter. Criteria: Invitae Variant Classification Sherloc (09022015). Collection method: clinical testing. Allele origin: germline.
Comment: This sequence change replaces alanine, which is neutral and non-polar, with threonine, which is neutral and polar, at codon 1455 of the ZNF469 protein (p.Ala1455Thr). The frequency data for this variant in the population databases is considered unreliable, as metrics indicate poor data quality at this position in the gnomAD database. This variant has not been reported in the literature in individuals affected with ZNF469-related conditions. Algorithms developed to predict the effect of missense changes on protein structure and function output the following: SIFT: "Tolerated"; PolyPhen-2: "Benign"; Align-GVGD: "Class C0". The threonine amino acid residue is found in multiple mammalian species, which suggests that this missense change does not adversely affect protein function. In summary, the available evidence is currently insufficient to determine the role of this variant in disease. Therefore, it has been classified as a Variant of Uncertain Significance.

NM_001367624.2(ZNF469):c.4447G>A (p.Ala1483Thr)

Gene: ZNF469 (zinc finger protein 469; plus strand). Cytogenetic location: 16q24.2.
Variant type: single nucleotide variant.
Coding change: c.4447G>A on transcript NM_001367624.2 (MANE Select); coding-DNA position 4447, G replaced by A.
Protein change: p.Ala1483Thr; replaces alanine 1483 with threonine.
Molecular consequence: missense variant.
Genome position (GRCh38, 1-based): chr16:88,431,917, G>A. VCF-style: chr16-88431917-G-A. GRCh37 (hg19) VCF-style: chr16-88498325-G-A.
Other names: NM_001127464.1:c.4363G>A; short protein forms A1483T.
Identifiers: ClinVar variation 1348291 (VCV001348291.9), dbSNP rs273585620, ClinGen allele CA286376109.